The following is an entry in ClinVar:

NM_005245.4(FAT1):c.3178G>C (p.Asp1060His)

Gene: FAT1 (FAT atypical cadherin 1; minus strand). Cytogenetic location: 4q35.2.
Variant type: single nucleotide variant.
Coding change: c.3178G>C on transcript NM_005245.4 (MANE Select); coding-DNA position 3178, G replaced by C.
Protein change: p.Asp1060His; replaces aspartic acid 1060 with histidine.
Molecular consequence: missense variant.
Genome position (GRCh38, 1-based): chr4:186,706,650, C>G on the plus strand (G>C on the coding strand, the complement: FAT1 is on the minus strand). VCF-style: chr4-186706650-C-G. GRCh37 (hg19) VCF-style: chr4-187627804-C-G.
Other names: c.3178G>C (NM_005245.3); short protein forms D1060H.
Identifiers: ClinVar variation 2986141 (VCV002986141.2), dbSNP rs181661569, ClinGen allele CA3167097.
Genomic context (GRCh38, chr4:186,706,650, plus strand): 5'-CAACGCCAGAGCCATCTCTAATGGAGTATCGGATCTCCCCATCTCTTCTGGCGTCCTCAT[C>G]ATGAGCCGACACCGTCATTACCAATGAACCAACAGGTGCATCTTCTTTCACTGTCCCCTT-3'
Protein context (NP_005236.2, residues 1050-1070): GSLVMTVSAH[Asp1060His]EDARRDGEIR

ClinVar aggregate classification (germline): Uncertain significance. Review status: criteria provided, multiple submitters, no conflicts (2 of 4 stars). 2 submissions from 2 submitters: Uncertain significance (2). Last evaluated 2025-08-12.

Conditions:
Inborn genetic diseases. Identifiers: MedGen C0950123, MeSH D030342.

Allele frequency attached by ClinVar (database versions not stated): gnomAD exomes below 0.00001; TOPMed 0.00001; gnomAD 0.00002; 1000 Genomes Project 30x 0.00016; 1000 Genomes Project 0.00020.
gnomAD v4.1: 10 of 1,614,028 alleles (0.00062%); highest among the groups gnomAD compares: East Asian, 0.0067%; no homozygotes.

Submissions (2):

Ambry Genetics
Classification: Uncertain significance for Inborn genetic diseases. Last evaluated: 2025-08-12. Review status: criteria provided, single submitter. Criteria: Ambry Variant Classification Scheme 2023. Collection method: clinical testing. Allele origin: germline.

Labcorp Genetics (formerly Invitae), Labcorp
Classification: Uncertain significance. Last evaluated: 2022-11-15. Review status: criteria provided, single submitter. Criteria: Invitae Variant Classification Sherloc (09022015). Collection method: clinical testing. Allele origin: germline.
Comment: This sequence change replaces aspartic acid, which is acidic and polar, with histidine, which is basic and polar, at codon 1060 of the FAT1 protein (p.Asp1060His). In summary, the available evidence is currently insufficient to determine the role of this variant in disease. Therefore, it has been classified as a Variant of Uncertain Significance. Algorithms developed to predict the effect of missense changes on protein structure and function (SIFT, PolyPhen-2, Align-GVGD) all suggest that this variant is likely to be disruptive. This variant has not been reported in the literature in individuals affected with FAT1-related conditions. This variant is present in population databases (rs181661569, gnomAD 0.01%).